The following is an entry in ClinVar:

NM_005685.4(GTF2IRD1):c.1122C>T (p.Pro374=)

Gene: GTF2IRD1 (GTF2I repeat domain containing 1; plus strand). Cytogenetic location: 7q11.23.
Variant type: single nucleotide variant.
Coding change: c.1122C>T on transcript NM_005685.4 (MANE Select); coding-DNA position 1122, C replaced by T.
Protein change: p.Pro374=; no amino-acid change (proline 374 retained).
Molecular consequence: synonymous variant.
Genome position (GRCh38, 1-based): chr7:74,529,765, C>T. VCF-style: chr7-74529765-C-T. GRCh37 (hg19) VCF-style: chr7-73944095-C-T.
Other names: c.1218C>T, p.Pro406= (NM_001199207.2); c.1122C>T, p.Pro374= (NM_016328.3); c.1218C>T (NM_001199207.1).
Identifiers: ClinVar variation 1286282 (VCV001286282.4), dbSNP rs61744518, ClinGen allele CA4296748.
Genomic context (GRCh38, chr7:74,529,765, plus strand): 5'-TCAGCCTTGCTGTTTGGTTGTCTTTCCAGCGGAAGCCCTGGGCCTGGACCACATGGTCCC[C>T]GTGCCCTACCGGAAGATTGCCTGTGACCCGGAGGCTGTGGAGATCGTGGGCATCCCGGAC-3'
Protein context (NP_005676.3, residues 364-384): AEALGLDHMV[Pro374=]VPYRKIACDP

ClinVar aggregate classification (germline): Benign. Review status: criteria provided, multiple submitters, no conflicts (2 of 4 stars). 3 submissions from 3 submitters: Benign (2). 1 of the submissions does not count toward it. Last evaluated 2020-01-24.

Conditions:
GTF2IRD1-related disorder. Also called: GTF2IRD1-related condition.

Allele frequency attached by ClinVar (database versions not stated): ESP Exome Variant Server 0.01953; TOPMed 0.02104; gnomAD 0.02561 and 0.02641; 1000 Genomes Project 30x 0.02936; 1000 Genomes Project 0.03155.
gnomAD v4.1: 40,167 of 1,613,932 alleles (2.5%); highest among the groups gnomAD compares: East Asian, 6.6%; 695 homozygotes.

Submissions (3):

GeneDx
Classification: Benign. Last evaluated: 2020-01-24. Review status: criteria provided, single submitter. Criteria: GeneDx Variant Classification Process June 2021. Collection method: clinical testing. Allele origin: germline. Affected: yes.

Breakthrough Genomics
Classification: Benign. Review status: criteria provided, single submitter. Criteria: ACMG Guidelines, 2015. Collection method: not provided. Allele origin: germline. Inheritance: Unknown mechanism. Affected: yes.

PreventionGenetics, part of Exact Sciences
Classification: Benign for GTF2IRD1-related condition. Last evaluated: 2019-03-29. Review status: no assertion criteria provided. Collection method: clinical testing. Allele origin: germline. Not counted in ClinVar's aggregate classification.
Comment: This variant is classified as benign based on ACMG/AMP sequence variant interpretation guidelines (Richards et al. 2015 PMID: 25741868, with internal and published modifications).